The following is an entry in ClinVar:

NM_014423.4(AFF4):c.2132G>C (p.Arg711Thr)

Gene: AFF4 (ALF transcription elongation factor 4; minus strand). Cytogenetic location: 5q31.1.
Variant type: single nucleotide variant.
Coding change: c.2132G>C on transcript NM_014423.4 (MANE Select); coding-DNA position 2132, G replaced by C.
Protein change: p.Arg711Thr; replaces arginine 711 with threonine.
Molecular consequence: missense variant.
Genome position (GRCh38, 1-based): chr5:132,896,498, C>G on the plus strand (G>C on the coding strand, the complement: AFF4 is on the minus strand). VCF-style: chr5-132896498-C-G. GRCh37 (hg19) VCF-style: chr5-132232190-C-G.
Other names: short protein forms R711T.
Identifiers: ClinVar variation 4248023 (VCV004248023.2).

ClinVar aggregate classification (germline): Uncertain significance. Review status: criteria provided, multiple submitters, no conflicts (2 of 4 stars). 2 submissions from 2 submitters: Uncertain significance (2). Last evaluated 2025-08-31.

Conditions:
Inborn genetic diseases. Identifiers: MedGen C0950123, MeSH D030342.
Cognitive impairment - coarse facies - heart defects - obesity - pulmonary involvement - short stature - skeletal dysplasia syndrome. Also called: Chops syndrome; COGNITIVE IMPAIRMENT, COARSE FACIES, HEART DEFECTS, OBESITY, PULMONARY INVOLVEMENT, SHORT STATURE, AND SKELETAL DYSPLASIA; AFF4-Related CHOPS Syndrome. Identifiers: Orphanet 444077, MedGen C4085597, MONDO:0014609, OMIM 616368.

Submissions (2):

Ambry Genetics
Classification: Uncertain significance for Inborn genetic diseases. Last evaluated: 2025-08-31. Review status: criteria provided, single submitter. Criteria: Ambry Variant Classification Scheme 2023. Collection method: clinical testing. Allele origin: germline.

Labcorp Genetics (formerly Invitae), Labcorp
Classification: Uncertain significance for Cognitive impairment - coarse facies - heart defects - obesity - pulmonary involvement - short stature - skeletal dysplasia syndrome. Last evaluated: 2025-06-08. Review status: criteria provided, single submitter. Criteria: Invitae Variant Classification Sherloc (09022015). Collection method: clinical testing. Allele origin: germline.
Comment: This sequence change replaces arginine, which is basic and polar, with threonine, which is neutral and polar, at codon 711 of the AFF4 protein (p.Arg711Thr). This variant is not present in population databases (gnomAD no frequency). This variant has not been reported in the literature in individuals affected with AFF4-related conditions. Invitae Evidence Modeling of protein sequence and biophysical properties (such as structural, functional, and spatial information, amino acid conservation, physicochemical variation, residue mobility, and thermodynamic stability) indicates that this missense variant is not expected to disrupt AFF4 protein function with a negative predictive value of 80%. In summary, the available evidence is currently insufficient to determine the role of this variant in disease. Therefore, it has been classified as a Variant of Uncertain Significance.